The following is an entry in ClinVar:

NM_001161403.3(LIMS2):c.753+5G>A

Gene: LIMS2 (LIM zinc finger domain containing 2; minus strand). Cytogenetic location: 2q14.3.
Variant type: single nucleotide variant.
Coding change: c.753+5G>A on transcript NM_001161403.3 (MANE Select); 5 bases into the intron after coding-DNA position 753, G replaced by A.
Molecular consequence: intron variant.
Genome position (GRCh38, 1-based): chr2:127,640,891, C>T on the plus strand (G>A on the coding strand, the complement: LIMS2 is on the minus strand). VCF-style: chr2-127640891-C-T. GRCh37 (hg19) VCF-style: chr2-128398466-C-T.
Other names: c.738+5G>A (NM_001161404.2); c.819+5G>A (NM_001136037.4); c.825+5G>A (NM_017980.5); c.297+5G>A (NM_001256542.2).
Identifiers: ClinVar variation 4770229 (VCV004770229.1).

ClinVar aggregate classification (germline): Uncertain significance (1 of 4 stars; one submission).

Conditions:
Autosomal recessive limb-girdle muscular dystrophy type 2W (MDRCMTT). Also called: Muscular dystrophy, limb-girdle, type 2W; Muscular dystrophy, autosomal recessive, with cardiomyopathy and triangular tongue. Identifiers: MedGen C4225192, MONDO:0014788, OMIM 616827.

gnomAD v4.1: 2 of 1,613,146 alleles (0.00012%); highest among the groups gnomAD compares: South Asian, 0.0011%; no homozygotes.

Submission:

Labcorp Genetics (formerly Invitae), Labcorp
Classification: Uncertain significance for Autosomal recessive limb-girdle muscular dystrophy type 2W. Last evaluated: 2025-08-29. Review status: criteria provided, single submitter. Criteria: Invitae Variant Classification Sherloc (09022015). Collection method: clinical testing. Allele origin: germline.
Comment: This sequence change falls in intron 8 of the LIMS2 gene. It does not directly change the encoded amino acid sequence of the LIMS2 protein. It affects a nucleotide within the consensus splice site. This variant is present in population databases (rs763479900, gnomAD 0.0009%). This variant has not been reported in the literature in individuals affected with LIMS2-related conditions. Variants that disrupt the consensus splice site are a relatively common cause of aberrant splicing (PMID: 17576681, 9536098). Algorithms developed to predict the effect of sequence changes on RNA splicing suggest that this variant is not likely to affect RNA splicing. In summary, the available evidence is currently insufficient to determine the role of this variant in disease. Therefore, it has been classified as a Variant of Uncertain Significance.

Literature cited by the submitters: PubMed 17576681; PubMed 9536098.